The following is an entry in ClinVar:

ClinVar aggregate classification (germline): Conflicting classifications of pathogenicity. Review status: criteria provided, conflicting classifications (1 of 4 stars). 11 submissions from 11 submitters: Uncertain significance (2); Benign (2); Likely benign (5). 2 of the submissions do not count toward it. Last evaluated 2026-01-26.

Conditions:
Frontometaphyseal dysplasia (FMD1). Identifiers: Orphanet 1826, MedGen C0265293, MONDO:0015942.
Heterotopia, periventricular, X-linked dominant (PVNH1). Also called: PERIVENTRICULAR NODULAR HETEROTOPIA 4; HETEROTOPIA, PERIVENTRICULAR, 1; PERIVENTRICULAR NODULAR HETEROTOPIA 1; X-linked periventricular heterotopia. Identifiers: Orphanet 2149, Orphanet 82004, MedGen C1848213, MONDO:0010233, OMIM 300049.
Oto-palato-digital syndrome, type II (OPD2). Also called: Otopalatodigital Syndrome, Type II; Otopalatodigital Syndrome Type 2 (FLNA-OPD2); FACIOPALATOOSSEOUS SYNDROME; OPD II SYNDROME. Identifiers: Orphanet 669, Orphanet 90652, MedGen C1844696, MONDO:0010571, OMIM 304120.
Melnick-Needles syndrome (MNS). Also called: MELNICK-NEEDLES OSTEODYSPLASTY; Melnick-Needles Syndrome (FLNA-MNS); OSTEODYSPLASTY OF MELNICK AND NEEDLES. Identifiers: Orphanet 2484, MedGen C0025237, MONDO:0010650, OMIM 309350.
Connective tissue disorder. Also called: Connective tissue disease. Identifiers: MedGen C0009782, MONDO:0003900.

Allele frequency attached by ClinVar (database versions not stated): ExAC 0.00017; gnomAD exomes 0.00024; TOPMed 0.00028; ESP Exome Variant Server 0.00029; gnomAD 0.00030 and 0.00031.

Submissions (11):

Labcorp Genetics (formerly Invitae), Labcorp
Classification: Benign for Oto-palato-digital syndrome, type II; Heterotopia, periventricular, X-linked dominant; Frontometaphyseal dysplasia; Melnick-Needles syndrome. Last evaluated: 2026-01-26. Review status: criteria provided, single submitter. Criteria: Invitae Variant Classification Sherloc (09022015). Collection method: clinical testing. Allele origin: germline.

Molecular Diagnostic Laboratory for Inherited Cardiovascular Disease, Montreal Heart Institute
Classification: Likely benign. Last evaluated: 2025-04-09. Review status: criteria provided, single submitter. Criteria: ACMG Guidelines, 2015. Collection method: clinical testing. Allele origin: germline. Affected: no.

Mayo Clinic Laboratories, Mayo Clinic
Classification: Likely benign. Last evaluated: 2025-01-29. Review status: criteria provided, single submitter. Criteria: ACMG Guidelines, 2015. Collection method: clinical testing. Allele origin: germline. Observed: 4 variant alleles.
Comment: BS2, BP4, BP7

Blueprint Genetics
Classification: Likely benign. Last evaluated: 2024-10-01. Review status: criteria provided, single submitter. Criteria: ACMG Guidelines, 2015. Collection method: clinical testing. Allele origin: germline.

ARUP Laboratories, Molecular Genetics and Genomics, ARUP Laboratories
Classification: Likely benign. Last evaluated: 2021-11-09. Review status: criteria provided, single submitter. Criteria: ARUP Molecular Germline Variant Investigation Process 2021. Collection method: clinical testing. Allele origin: germline.

Center for Human Genetics, Inc
Classification: Likely benign for Connective tissue disorder. Last evaluated: 2016-11-01. Review status: criteria provided, single submitter. Criteria: ACMG Guidelines, 2015. Collection method: clinical testing. Allele origin: germline. Affected: yes.

Eurofins Ntd Llc (ga)
Classification: Uncertain significance. Last evaluated: 2015-08-26. Review status: criteria provided, single submitter. Criteria: EGL Classification Definitions 2015. Collection method: clinical testing. Allele origin: germline. Observed: 2 variant alleles, 2 hemizygotes.

GeneDx
Classification: Benign. Last evaluated: 2015-04-17. Review status: criteria provided, single submitter. Criteria: GeneDx Variant Classification (06012015). Collection method: clinical testing. Allele origin: germline. Affected: yes.
Comment: This variant is considered likely benign or benign based on one or more of the following criteria: it is a conservative change, it occurs at a poorly conserved position in the protein, it is predicted to be benign by multiple in silico algorithms, and/or has population frequency not consistent with disease.

Genetic Services Laboratory, University of Chicago
Classification: Uncertain significance. Last evaluated: 2013-03-25. Review status: criteria provided, single submitter. Criteria: ACMG Guidelines, 2007. Collection method: clinical testing. Allele origin: germline. Inheritance: X-linked inheritance.

Clinical Genetics DNA and cytogenetics Diagnostics Lab, Erasmus MC, Erasmus Medical Center
Classification: Likely benign. Review status: no assertion criteria provided. Collection method: clinical testing. Allele origin: germline. Affected: yes. Study: VKGL Data-share Consensus. Not counted in ClinVar's aggregate classification.

Genome Diagnostics Laboratory, University Medical Center Utrecht
Classification: Likely benign. Review status: no assertion criteria provided. Collection method: clinical testing. Allele origin: germline. Affected: yes. Study: VKGL Data-share Consensus. Not counted in ClinVar's aggregate classification.

NM_001110556.2(FLNA):c.1691+7C>A

Gene: FLNA (filamin A; minus strand). Cytogenetic location: Xq28.
Variant type: single nucleotide variant.
Coding change: c.1691+7C>A on transcript NM_001110556.2 (MANE Select); 7 bases into the intron after coding-DNA position 1691, C replaced by A.
Molecular consequence: intron variant.
Genome position (GRCh38, 1-based): chrX:154,365,129, G>T on the plus strand (C>A on the coding strand, the complement: FLNA is on the minus strand). VCF-style: chrX-154365129-G-T. GRCh37 (hg19) VCF-style: chrX-153593497-G-T.
Other names: p.?; c.1691+7C>A (NM_001456.4).
Identifiers: ClinVar variation 129066 (VCV000129066.31), dbSNP rs199565118, ClinGen allele CA231110.
Genomic context (GRCh38, chrX:154,365,129, plus strand): 5'-GGGGAGGCAGAAGGAAGAGAAGAGGCAGAGTGTGCAGAGCTGGGAGAGGGATGCCTGGGG[G>T]CCTCACCTGCGCCCGATGTTCTGACCACCCCACGTGATGGTGACGATATAGGTTCCAGGG-3'